The following is an entry in ClinVar:

NM_022051.3(EGLN1):c.955G>A (p.Gly319Arg)

Gene: EGLN1 (egl-9 family hypoxia inducible factor 1; minus strand). Cytogenetic location: 1q42.2.
Variant type: single nucleotide variant.
Coding change: c.955G>A on transcript NM_022051.3 (MANE Select); coding-DNA position 955, G replaced by A.
Protein change: p.Gly319Arg; replaces glycine 319 with arginine.
Molecular consequence: missense variant.
Genome position (GRCh38, 1-based): chr1:231,374,036, C>T on the plus strand (G>A on the coding strand, the complement: EGLN1 is on the minus strand). VCF-style: chr1-231374036-C-T. GRCh37 (hg19) VCF-style: chr1-231509782-C-T.
Other names: c.955G>A, p.Gly319Arg (NM_001377260.1, NM_001377261.1); short protein forms G319R.
Identifiers: ClinVar variation 1767385 (VCV001767385.2), dbSNP rs2527236928, ClinGen allele CA345241477.

ClinVar aggregate classification (germline): Uncertain significance (1 of 4 stars; one submission).

Allele frequency attached by ClinVar (database versions not stated): gnomAD exomes below 0.00001.
gnomAD v4.1: 1 of 1,613,582 alleles (0.000062%); highest among the groups gnomAD compares: Non-Finnish European, 0.000085%; no homozygotes.

Submission:

Ambry Genetics
Classification: Uncertain significance. Last evaluated: 2021-09-29. Review status: criteria provided, single submitter. Criteria: Ambry Variant Classification Scheme 2023. Collection method: clinical testing. Allele origin: germline.
Comment: The p.G319R variant (also known as c.955G>A), located in coding exon 2 of the EGLN1 gene, results from a G to A substitution at nucleotide position 955. The glycine at codon 319 is replaced by arginine, an amino acid with dissimilar properties. This amino acid position is conserved. In addition, this alteration is predicted to be deleterious by in silico analysis. Since supporting evidence is limited at this time, the clinical significance of this alteration remains unclear.